The following is an entry in ClinVar:

ClinVar aggregate classification (germline): Benign/Likely benign. Review status: criteria provided, multiple submitters, no conflicts (2 of 4 stars). 4 submissions from 4 submitters: Benign (1); Likely benign (3). Last evaluated 2025-01-29.

Conditions:
Hereditary cancer-predisposing syndrome. Also called: Neoplastic Syndromes, Hereditary; Hereditary neoplastic syndrome; Tumor predisposition; Hereditary Cancer Syndrome. Identifiers: Orphanet 140162, MedGen C0027672, MeSH D009386, MONDO:0015356.
Oligodontia-cancer predisposition syndrome. Also called: TOOTH AGENESIS-COLORECTAL CANCER SYNDROME. Identifiers: Orphanet 300576, MedGen C1837750, MONDO:0012075, OMIM 608615. Disease mechanism: loss of function.

Allele frequency attached by ClinVar (database versions not stated): gnomAD exomes below 0.00001; gnomAD 0.00001.
gnomAD v4.1: 5 of 1,614,078 alleles (0.00031%); highest among the groups gnomAD compares: Non-Finnish European, 0.00042%; no homozygotes.

Submissions (4):

Labcorp Genetics (formerly Invitae), Labcorp
Classification: Likely benign for Oligodontia-cancer predisposition syndrome. Last evaluated: 2025-01-29. Review status: criteria provided, single submitter. Criteria: Invitae Variant Classification Sherloc (09022015). Collection method: clinical testing. Allele origin: germline.

Myriad Genetics, Inc.
Classification: Benign for Oligodontia-cancer predisposition syndrome. Last evaluated: 2024-06-26. Review status: criteria provided, single submitter. Criteria: Myriad Autosomal Dominant, Autosomal Recessive and X-Linked Classification Criteria (2023). Collection method: clinical testing. Allele origin: unknown.
Comment: This variant is considered benign. This variant is a silent/synonymous amino acid change and it is not expected to impact splicing.

Quest Diagnostics Nichols Institute San Juan Capistrano
Classification: Likely benign. Last evaluated: 2023-07-19. Review status: criteria provided, single submitter. Criteria: Quest Diagnostics criteria. Collection method: clinical testing. Allele origin: unknown.

Ambry Genetics
Classification: Likely benign for Hereditary cancer-predisposing syndrome. Last evaluated: 2018-12-26. Review status: criteria provided, single submitter. Criteria: Ambry Variant Classification Scheme 2023. Collection method: clinical testing. Allele origin: germline.

NM_004655.4(AXIN2):c.390A>G (p.Val130=)

Gene: AXIN2 (axin 2; minus strand). Cytogenetic location: 17q24.1.
Variant type: single nucleotide variant.
Coding change: c.390A>G on transcript NM_004655.4 (MANE Select); coding-DNA position 390, A replaced by G.
Protein change: p.Val130=; no amino-acid change (valine 130 retained).
Molecular consequence: synonymous variant.
Genome position (GRCh38, 1-based): chr17:65,558,231, T>C on the plus strand (A>G on the coding strand, the complement: AXIN2 is on the minus strand). VCF-style: chr17-65558231-T-C. GRCh37 (hg19) VCF-style: chr17-63554349-T-C.
Other names: c.390A>G, p.Val130= (NM_001363813.1).
Identifiers: ClinVar variation 798076 (VCV000798076.17), dbSNP rs1266454647, ClinGen allele CA501691815.